The following is an entry in ClinVar:

NM_000890.5(KCNJ5):c.725G>A (p.Arg242Gln)

Gene: KCNJ5 (potassium inwardly rectifying channel subfamily J member 5; plus strand). Cytogenetic location: 11q24.3.
Variant type: single nucleotide variant.
Coding change: c.725G>A on transcript NM_000890.5 (MANE Select); coding-DNA position 725, G replaced by A.
Protein change: p.Arg242Gln; replaces arginine 242 with glutamine.
Molecular consequence: missense variant.
Genome position (GRCh38, 1-based): chr11:128,911,998, G>A. VCF-style: chr11-128911998-G-A. GRCh37 (hg19) VCF-style: chr11-128781893-G-A.
Other names: c.725G>A, p.Arg242Gln (NM_001354169.2); short protein forms R242Q.
Identifiers: ClinVar variation 836272 (VCV000836272.11), dbSNP rs746240972, ClinGen allele CA6357925.

ClinVar aggregate classification (germline): Uncertain significance. Review status: criteria provided, multiple submitters, no conflicts (2 of 4 stars). 3 submissions from 3 submitters: Uncertain significance (3). Last evaluated 2025-07-15.

Conditions:
Long QT syndrome 13 (LQT13). Identifiers: Orphanet 101016, Orphanet 768, MedGen C3150733, MONDO:0013279, OMIM 613485.
Familial hyperaldosteronism type III. Also called: Familial hyperaldosteronism type 3; FH III. Identifiers: Orphanet 251274, MedGen C3838758, MONDO:0013359, OMIM 613677.
Long QT syndrome (LQTS). Identifiers: MedGen C0023976, MeSH D008133, MONDO:0002442. Disease mechanism: loss of function. Inheritance: Various modes of inheritance.

Allele frequency attached by ClinVar (database versions not stated): TOPMed below 0.00001; gnomAD 0.00001; ExAC 0.00003; gnomAD exomes 0.00003.
gnomAD v4.1: 36 of 1,608,498 alleles (0.0022%); highest among the groups gnomAD compares: South Asian, 0.0033%; no homozygotes.

Submissions (3):

GeneDx
Classification: Uncertain significance. Last evaluated: 2025-07-15. Review status: criteria provided, single submitter. Criteria: GeneDx Variant Classification Process June 2021. Collection method: clinical testing. Allele origin: germline. Affected: yes.
Comment: Identified in three siblings with adult-onset hypertension and thoracic aortic dissection (PMID: 39907018); Published functional studies demonstrate HET Kcnj5+/R242Q mice had aortic dissection, altered aortic diameter, increased systolic blood pressure, associated hypertension to epinephrine, increased collagen deposition, increased in TGF-beta expression at RNA and protein levels, and adrenal dysfunction; however, aldosterone levels did not differ significantly when compared to wild type mice (PMID: 39907018); In silico analysis supports that this missense variant has a deleterious effect on protein structure/function; This variant is associated with the following publications: (PMID: 39907018)

Labcorp Genetics (formerly Invitae), Labcorp
Classification: Uncertain significance for Long QT syndrome. Last evaluated: 2025-06-01. Review status: criteria provided, single submitter. Criteria: Invitae Variant Classification Sherloc (09022015). Collection method: clinical testing. Allele origin: germline.
Comment: This sequence change replaces arginine, which is basic and polar, with glutamine, which is neutral and polar, at codon 242 of the KCNJ5 protein (p.Arg242Gln). This variant is present in population databases (rs746240972, gnomAD 0.01%). This missense change has been observed in individual(s) with hypertension and aortic dissection (PMID: 39907018). ClinVar contains an entry for this variant (Variation ID: 836272). Invitae Evidence Modeling of protein sequence and biophysical properties (such as structural, functional, and spatial information, amino acid conservation, physicochemical variation, residue mobility, and thermodynamic stability) indicates that this missense variant is not expected to disrupt KCNJ5 protein function with a negative predictive value of 80%. In summary, the available evidence is currently insufficient to determine the role of this variant in disease. Therefore, it has been classified as a Variant of Uncertain Significance.

Fulgent Genetics
Classification: Uncertain significance for Long QT syndrome 13; Familial hyperaldosteronism type III. Last evaluated: 2022-04-07. Review status: criteria provided, single submitter. Criteria: ACMG Guidelines, 2015. Collection method: clinical testing. Allele origin: unknown.

Literature cited by the submitters: PubMed 39907018 (cited by Labcorp Genetics (formerly Invitae), Labcorp).